The following is an entry in ClinVar:

ClinVar aggregate classification (germline): Uncertain significance (1 of 4 stars; one submission).

Conditions:
Xeroderma pigmentosum variant type. Also called: PHOTOSENSITIVITY WITH DEFECTIVE DNA SYNTHESIS; XERODERMA PIGMENTOSUM WITH NORMAL DNA REPAIR RATES; POLH-Related Xeroderma Pigmentosum. Identifiers: Orphanet 90342, MedGen C1848410, MONDO:0010214, OMIM 278750.

gnomAD v4.1: 3 of 1,614,140 alleles (0.00019%); highest among the groups gnomAD compares: Admixed American, 0.0017%; no homozygotes.

Submission:

Dasa
Classification: Uncertain significance for Xeroderma pigmentosum variant type. Last evaluated: 2025-07-14. Review status: criteria provided, single submitter. Criteria: DASA Assertion Criteria. Collection method: clinical testing. Allele origin: germline.
Comment: NM_006502.3(POLH):c.1603A>C (p.Lys535Gln) is a missense variant that results in the substitution of lysine with glutamine. This variant is rare in population databases. Computational prediction algorithms are consistent with a benign effect. The currently available literature and clinical evidence are not sufficient to establish a definitive association between this variant and the reported condition. Therefore, this variant is classified as a variant of uncertain significance.

NM_006502.3(POLH):c.1603A>C (p.Lys535Gln)

Gene: POLH (DNA polymerase eta; plus strand). Cytogenetic location: 6p21.1.
Variant type: single nucleotide variant.
Coding change: c.1603A>C on transcript NM_006502.3 (MANE Select); coding-DNA position 1603, A replaced by C.
Protein change: p.Lys535Gln; replaces lysine 535 with glutamine.
Molecular consequence: missense variant. On other transcripts: 3 prime UTR variant (1).
Genome position (GRCh38, 1-based): chr6:43,614,018, A>C. VCF-style: chr6-43614018-A-C. GRCh37 (hg19) VCF-style: chr6-43581755-A-C.
Other names: c.1231A>C, p.Lys411Gln (NM_001291969.2); c.*287A>C (NM_001291970.2); short protein forms K411Q, K535Q.
Identifiers: ClinVar variation 4881190 (VCV004881190.2).